The following is an entry in ClinVar:

ClinVar aggregate classification (germline): Uncertain significance (1 of 4 stars; one submission).

Conditions:
Inborn genetic diseases. Identifiers: MedGen C0950123, MeSH D030342.

gnomAD v4.1: 9 of 1,609,190 alleles (0.00056%); highest among the groups gnomAD compares: South Asian, 0.0011%; no homozygotes.

Submission:

Ambry Genetics
Classification: Uncertain significance for Inborn genetic diseases. Last evaluated: 2024-11-20. Review status: criteria provided, single submitter. Criteria: Ambry Variant Classification Scheme 2023. Collection method: clinical testing. Allele origin: germline.
Comment: The p.R372S variant (also known as c.1116G>C), located in coding exon 5 of the RECQL4 gene, results from a G to C substitution at nucleotide position 1116. The arginine at codon 372 is replaced by serine, an amino acid with dissimilar properties. This amino acid position is conserved. In addition, this alteration is predicted to be tolerated by in silico analysis. Based on the available evidence, the clinical significance of this variant remains unclear.

NM_004260.4(RECQL4):c.1116G>C (p.Arg372Ser)

Gene: RECQL4 (RecQ like helicase 4; minus strand). Cytogenetic location: 8q24.3.
Variant type: single nucleotide variant.
Coding change: c.1116G>C on transcript NM_004260.4 (MANE Select); coding-DNA position 1116, G replaced by C.
Protein change: p.Arg372Ser; replaces arginine 372 with serine.
Molecular consequence: missense variant. On other transcripts: 5 prime UTR variant (6), non-coding transcript variant (3).
Genome position (GRCh38, 1-based): chr8:144,516,003, C>G on the plus strand (G>C on the coding strand, the complement: RECQL4 is on the minus strand). VCF-style: chr8-144516003-C-G. GRCh37 (hg19) VCF-style: chr8-145741387-C-G.
Other names: c.1020G>C, p.Arg340Ser (NM_001413017.1, NM_001413020.1); c.1116G>C, p.Arg372Ser (NM_001413018.1, NM_001413019.1, NM_001413033.1 and 2 more transcripts); c.45G>C, p.Arg15Ser (NM_001413021.1, NM_001413022.1, NM_001413023.1 and 8 more transcripts); c.987G>C, p.Arg329Ser (NM_001413025.1); c.-18G>C (NM_001413027.1, NM_001413030.1, NM_001413031.1 and 2 more transcripts); c.765G>C, p.Arg255Ser (NM_001413029.1); c.-225G>C (NM_001413043.1); short protein forms R255S, R329S, R340S, R15S, R372S.
Identifiers: ClinVar variation 3431850 (VCV003431850.1).